The following is an entry in ClinVar:

ClinVar aggregate classification (germline): Uncertain significance (1 of 4 stars; one submission).

Conditions:
2-aminoadipic 2-oxoadipic aciduria (AAKAD). Also called: Aminoadipic aciduria; ALPHA-AMINOADIPIC AND ALPHA-KETOADIPIC ACIDURIA. Identifiers: Orphanet 79154, MedGen C1859817, MONDO:0008774, OMIM 204750.

gnomAD v4.1: 20 of 1,592,886 alleles (0.0013%); highest among the groups gnomAD compares: Non-Finnish European, 0.0016%; no homozygotes.

Submission:

Labcorp Genetics (formerly Invitae), Labcorp
Classification: Uncertain significance for 2-aminoadipic 2-oxoadipic aciduria. Last evaluated: 2023-03-09. Review status: criteria provided, single submitter. Criteria: Invitae Variant Classification Sherloc (09022015). Collection method: clinical testing. Allele origin: germline.
Comment: Variants that disrupt the consensus splice site are a relatively common cause of aberrant splicing (PMID: 17576681, 9536098). Algorithms developed to predict the effect of sequence changes on RNA splicing suggest that this variant is not likely to affect RNA splicing. This variant has not been reported in the literature in individuals affected with DHTKD1-related conditions. This variant is present in population databases (no rsID available, gnomAD 0.0009%). This sequence change falls in intron 8 of the DHTKD1 gene. It does not directly change the encoded amino acid sequence of the DHTKD1 protein. It affects a nucleotide within the consensus splice site. In summary, the available evidence is currently insufficient to determine the role of this variant in disease. Therefore, it has been classified as a Variant of Uncertain Significance.

Literature cited by the submitters: PubMed 17576681; PubMed 9536098.

NM_018706.7(DHTKD1):c.1671+3G>T

Gene: DHTKD1 (dehydrogenase E1 and transketolase domain containing 1; plus strand). Cytogenetic location: 10p14.
Variant type: single nucleotide variant.
Coding change: c.1671+3G>T on transcript NM_018706.7 (MANE Select); 3 bases into the intron after coding-DNA position 1671, G replaced by T.
Molecular consequence: intron variant.
Genome position (GRCh38, 1-based): chr10:12,097,999, G>T. VCF-style: chr10-12097999-G-T. GRCh37 (hg19) VCF-style: chr10-12139998-G-T.
Identifiers: ClinVar variation 2970247 (VCV002970247.3), dbSNP rs369606311, ClinGen allele CA591844661.